The following is an entry in ClinVar:

ClinVar aggregate classification (germline): Uncertain significance (1 of 4 stars; one submission).

gnomAD v4.1: 2 of 1,614,112 alleles (0.00012%); highest among the groups gnomAD compares: Admixed American, 0.0033%; no homozygotes.

Submission:

Women's Health and Genetics/Laboratory Corporation of America, LabCorp
Classification: Uncertain significance. Last evaluated: 2026-04-24. Review status: criteria provided, single submitter. Criteria: LabCorp Variant Classification Summary - May 2015. Collection method: clinical testing. Allele origin: germline.
Comment: Variant summary: SLC30A9 c.1360A>G (p.Ile454Val) results in a conservative amino acid change in the encoded protein sequence. Algorithms developed to predict the effect of missense changes on protein structure and function are either unavailable or do not agree on the potential impact of this missense change. The variant allele was found at a frequency of 8e-06 in 251192 control chromosomes. The available data on variant occurrences in the general population are insufficient to allow any conclusion about variant significance. To our knowledge, no occurrence of c.1360A>G in individuals affected with SLC30A9-related conditions and no experimental evidence demonstrating its impact on protein function have been reported. No submitters have cited clinical-significance assessments for this variant to ClinVar. Based on the evidence outlined above, the variant was classified as uncertain significance.

NM_006345.4(SLC30A9):c.1360A>G (p.Ile454Val)

Gene: SLC30A9 (solute carrier family 30 member 9; plus strand). Cytogenetic location: 4p13.
Variant type: single nucleotide variant.
Coding change: c.1360A>G on transcript NM_006345.4 (MANE Select); coding-DNA position 1360, A replaced by G.
Protein change: p.Ile454Val; replaces isoleucine 454 with valine.
Molecular consequence: missense variant.
Genome position (GRCh38, 1-based): chr4:42,070,633, A>G. VCF-style: chr4-42070633-A-G. GRCh37 (hg19) VCF-style: chr4-42072650-A-G.
Other names: short protein forms I454V.
Identifiers: ClinVar variation 4849093 (VCV004849093.1).